The following is an entry in ClinVar:

ClinVar aggregate classification (germline): Conflicting classifications of pathogenicity. Review status: criteria provided, conflicting classifications (1 of 4 stars). 5 submissions from 5 submitters: Pathogenic (1); Likely pathogenic (1); Uncertain significance (1). 2 of the submissions do not count toward it. Last evaluated 2025-07-01.

Allele frequency attached by ClinVar (database versions not stated): ExAC 0.00003; gnomAD exomes 0.00003; gnomAD 0.00010 and 0.00011; TOPMed 0.00011; 1000 Genomes Project 0.00020; 1000 Genomes Project 30x 0.00031.

Submissions (5):

CeGaT Center for Human Genetics Tuebingen
Classification: Uncertain significance. Last evaluated: 2025-07-01. Review status: criteria provided, single submitter. Criteria: CeGaT Center For Human Genetics Tuebingen Variant Classification Criteria Version 2. Collection method: clinical testing. Allele origin: germline. Affected: yes. Observed: 1 variant allele.
Comment: AAGAB: PS4:Moderate, PVS1:Moderate, PM2:Supporting

GeneDx
Classification: Likely pathogenic. Last evaluated: 2024-05-24. Review status: criteria provided, single submitter. Criteria: GeneDx Variant Classification Process June 2021. Collection method: clinical testing. Allele origin: germline. Affected: yes.
Comment: Identified in patients with features consistent with an AAGAB-related disorder referred for genetic testing at GeneDx and in the published literature (PMID: 26608363); Initiation codon variant in a gene for which loss of function is a known mechanism of disease; This variant is associated with the following publications: (PMID: 26608363)

Labcorp Genetics (formerly Invitae), Labcorp
Classification: Pathogenic. Last evaluated: 2023-11-01. Review status: criteria provided, single submitter. Criteria: Invitae Variant Classification Sherloc (09022015). Collection method: clinical testing. Allele origin: germline.
Comment: This sequence change affects the initiator methionine of the AAGAB mRNA. The next in-frame methionine is located at codon 110. This variant is present in population databases (rs539301011, gnomAD 0.01%). Disruption of the initiator codon has been observed in individuals with punctate palmoplantar deratoderma (PMID: 26608363). It has also been observed to segregate with disease in related individuals. ClinVar contains an entry for this variant (Variation ID: 969403). For these reasons, this variant has been classified as Pathogenic.

Diagnostic Laboratory, Department of Genetics, University Medical Center Groningen
Classification: Likely pathogenic. Review status: no assertion criteria provided. Collection method: clinical testing. Allele origin: germline. Affected: yes. Study: VKGL Data-share Consensus. Not counted in ClinVar's aggregate classification.

Joint Genome Diagnostic Labs from Nijmegen and Maastricht, Radboudumc and MUMC+
Classification: Pathogenic. Review status: no assertion criteria provided. Collection method: clinical testing. Allele origin: germline. Affected: yes. Study: VKGL Data-share Consensus. Not counted in ClinVar's aggregate classification.

Literature cited by the submitters: PubMed 26608363 (cited by Labcorp Genetics (formerly Invitae), Labcorp).

NM_024666.5(AAGAB):c.1A>G (p.Met1Val)

Genes: AAGAB (alpha and gamma adaptin binding protein; minus strand), LOC130057363 (ATAC-STARR-seq lymphoblastoid active region 9628; plus strand). Cytogenetic location: 15q23.
Variant type: single nucleotide variant.
Coding change: c.1A>G on transcript NM_024666.5 (MANE Select); coding-DNA position 1, A replaced by G.
Protein change: p.Met1Val; changes the start codon (methionine 1).
Molecular consequence: missense variant, initiator codon variant. On other transcripts: 5 prime UTR variant (1), intron variant (1).
Genome position (GRCh38, 1-based): chr15:67,254,631, T>C on the plus strand (A>G on the coding strand, the complement: AAGAB is on the minus strand). VCF-style: chr15-67254631-T-C. GRCh37 (hg19) VCF-style: chr15-67546969-T-C.
Other names: c.-472A>G (NM_001271886.2); c.-255+506A>G (NM_001271885.2); short protein forms M1V.
Identifiers: ClinVar variation 969403 (VCV000969403.25), dbSNP rs539301011, ClinGen allele CA7627275.